The following is an entry in ClinVar:

NM_030665.4(RAI1):c.5224G>T (p.Gly1742Cys)

Gene: RAI1 (retinoic acid induced 1; plus strand). Cytogenetic location: 17p11.2.
Variant type: single nucleotide variant.
Coding change: c.5224G>T on transcript NM_030665.4 (MANE Select); coding-DNA position 5224, G replaced by T.
Protein change: p.Gly1742Cys; replaces glycine 1742 with cysteine.
Molecular consequence: missense variant.
Genome position (GRCh38, 1-based): chr17:17,798,172, G>T. VCF-style: chr17-17798172-G-T. GRCh37 (hg19) VCF-style: chr17-17701486-G-T.
Other names: short protein forms G1742C.
Identifiers: ClinVar variation 1403104 (VCV001403104.8), dbSNP rs747395327, ClinGen allele CA398558636.

ClinVar aggregate classification (germline): Uncertain significance (1 of 4 stars; one submission).

Submission:

Labcorp Genetics (formerly Invitae), Labcorp
Classification: Uncertain significance. Last evaluated: 2022-02-05. Review status: criteria provided, single submitter. Criteria: Invitae Variant Classification Sherloc (09022015). Collection method: clinical testing. Allele origin: germline.
Comment: Algorithms developed to predict the effect of missense changes on protein structure and function (SIFT, PolyPhen-2, Align-GVGD) all suggest that this variant is likely to be tolerated. In summary, the available evidence is currently insufficient to determine the role of this variant in disease. Therefore, it has been classified as a Variant of Uncertain Significance. This variant has not been reported in the literature in individuals affected with RAI1-related conditions. This variant is not present in population databases (gnomAD no frequency). This sequence change replaces glycine, which is neutral and non-polar, with cysteine, which is neutral and slightly polar, at codon 1742 of the RAI1 protein (p.Gly1742Cys).